The following is an entry in ClinVar:

ClinVar aggregate classification (germline): Conflicting classifications of pathogenicity. Review status: criteria provided, conflicting classifications (1 of 4 stars). 5 submissions from 5 submitters: Uncertain significance (3); Likely benign (1). 1 of the submissions does not count toward it. Last evaluated 2026-01-25.

Conditions:
Fanconi anemia (FA). Also called: Fanconi's anemia. Identifiers: Orphanet 84, MedGen C0015625, MeSH D005199, MONDO:0019391.
Fanconi anemia complementation group A (FANCA). Also called: Fanconi anemia, group A; FANCA-Related Fanconi Anemia. Identifiers: Orphanet 84, MedGen C3469521, MONDO:0009215, OMIM 227650.

Allele frequency attached by ClinVar (database versions not stated): gnomAD 0.00001 and 0.00003; TOPMed 0.00011; 1000 Genomes Project 30x 0.00016; 1000 Genomes Project 0.00020.
gnomAD v4.1: 68 of 1,609,784 alleles (0.0042%); highest among the groups gnomAD compares: East Asian, 0.038%; no homozygotes.

Submissions (5):

Labcorp Genetics (formerly Invitae), Labcorp
Classification: Likely benign for Fanconi anemia. Last evaluated: 2026-01-25. Review status: criteria provided, single submitter. Criteria: Invitae Variant Classification Sherloc (09022015). Collection method: clinical testing. Allele origin: germline.

Quest Diagnostics Nichols Institute San Juan Capistrano
Classification: Uncertain significance. Last evaluated: 2025-10-15. Review status: criteria provided, single submitter. Criteria: Quest Diagnostics criteria. Collection method: clinical testing. Allele origin: unknown.
Comment: The FANCA c.3550C>T (p.Arg1184Trp) variant has been reported in the published literature in individuals with ovarian cancer (PMID: 32546565 (2021)), gastric cancer (PMID: 36627197 (2023)), and premature ovarian insufficiency (PMID: 37349538 (2023)). The frequency of this variant in the general population (Genome Aggregation Database) is uninformative in the assessment of its pathogenicity. Analysis of this variant using bioinformatics tools for the prediction of the effect of amino acid changes on protein structure and function yielded conflicting predictions that this variant is benign or damaging. Based on the available information, we are unable to determine the clinical significance of this variant.

Fulgent Genetics
Classification: Uncertain significance for Fanconi anemia complementation group A. Last evaluated: 2022-02-09. Review status: criteria provided, single submitter. Criteria: ACMG Guidelines, 2015. Collection method: clinical testing. Allele origin: unknown.

Genetic Services Laboratory, University of Chicago
Classification: Uncertain significance. Last evaluated: 2019-10-24. Review status: criteria provided, single submitter. Criteria: ACMG Guidelines, 2015. Collection method: clinical testing. Allele origin: germline. Affected: no.

Natera, Inc.
Classification: Uncertain significance for Fanconi anemia, group A. Last evaluated: 2020-09-16. Review status: no assertion criteria provided. Collection method: clinical testing. Allele origin: germline. Not counted in ClinVar's aggregate classification.

Literature cited by the submitters: PubMed 32546565 (cited by Quest Diagnostics Nichols Institute San Juan Capistrano); PubMed 36627197 (cited by Quest Diagnostics Nichols Institute San Juan Capistrano); PubMed 34741701 (cited by Quest Diagnostics Nichols Institute San Juan Capistrano); PubMed 37349538 (cited by Quest Diagnostics Nichols Institute San Juan Capistrano).

NM_000135.4(FANCA):c.3550C>T (p.Arg1184Trp)

Gene: FANCA (FA complementation group A; minus strand). Cytogenetic location: 16q24.3.
Variant type: single nucleotide variant.
Coding change: c.3550C>T on transcript NM_000135.4 (MANE Select); coding-DNA position 3550, C replaced by T.
Protein change: p.Arg1184Trp; replaces arginine 1184 with tryptophan.
Molecular consequence: missense variant.
Genome position (GRCh38, 1-based): chr16:89,745,035, G>A on the plus strand (C>T on the coding strand, the complement: FANCA is on the minus strand). VCF-style: chr16-89745035-G-A. GRCh37 (hg19) VCF-style: chr16-89811443-G-A.
Other names: c.3550C>T (LRG_495t1, NM_000135.3); c.3550C>T, p.Arg1184Trp (NM_001286167.3); short protein forms R1184W.
Identifiers: ClinVar variation 642961 (VCV000642961.15), dbSNP rs201492940, ClinGen allele CA8251100.